The following is an entry in ClinVar:

ClinVar aggregate classification (germline): Benign. Review status: criteria provided, multiple submitters, no conflicts (2 of 4 stars). 6 submissions from 5 submitters: Benign (5). 1 of the submissions does not count toward it. Last evaluated 2026-01-28.

Conditions:
Atrichia with papular lesions (APL). Also called: PAPULAR ATRICHIA. Identifiers: Orphanet 86819, MedGen C1859592, MONDO:0008847, OMIM 209500.
Alopecia universalis congenita (ALUNC). Also called: ATRICHIA, GENERALIZED. Identifiers: Orphanet 701, MedGen C1859877, MONDO:0008757, OMIM 203655.
HR-related disorder. Also called: HR-related condition; HR-related disorders. Identifiers: MedGen CN239293.

Allele frequency attached by ClinVar (database versions not stated): 1000 Genomes Project 0.03854; 1000 Genomes Project 30x 0.03998; TOPMed 0.05853; gnomAD exomes 0.06321 and 0.07679; ExAC 0.06383; gnomAD 0.06389 and 0.06592; ESP Exome Variant Server 0.06935.
gnomAD v4.1: 121,850 of 1,613,152 alleles (7.6%); highest among the groups gnomAD compares: Non-Finnish European, 8.5%; 5,157 homozygotes.

Submissions (6):

Labcorp Genetics (formerly Invitae), Labcorp
Classification: Benign. Last evaluated: 2026-01-28. Review status: criteria provided, single submitter. Criteria: Invitae Variant Classification Sherloc (09022015). Collection method: clinical testing. Allele origin: germline.

GeneDx
Classification: Benign. Last evaluated: 2021-06-09. Review status: criteria provided, single submitter. Criteria: GeneDx Variant Classification Process June 2021. Collection method: clinical testing. Allele origin: germline. Affected: yes.

Illumina Laboratory Services, Illumina
Classification: Benign for Alopecia universalis congenita. Last evaluated: 2018-01-12. Review status: criteria provided, single submitter. Criteria: ICSL Variant Classification Criteria 13 December 2019. Collection method: clinical testing. Allele origin: germline.
Comment: This variant was observed in the ICSL laboratory as part of a predisposition screen in an ostensibly healthy population. It had not been previously curated by ICSL or reported in the Human Gene Mutation Database (HGMD: prior to June 1st, 2018), and was therefore a candidate for classification through an automated scoring system. Utilizing variant allele frequency, disease prevalence and penetrance estimates, and inheritance mode, an automated score was calculated to assess if this variant is too frequent to cause the disease. Based on the score and internal cut-off values, a variant classified as benign is not then subjected to further curation. The score for this variant resulted in a classification of benign for this disease.

Illumina Laboratory Services, Illumina
Classification: Benign for Atrichia with papular lesions. Last evaluated: 2018-01-12. Review status: criteria provided, single submitter. Criteria: ICSL Variant Classification Criteria 13 December 2019. Collection method: clinical testing. Allele origin: germline.
Comment: the same text as in the submission from Illumina Laboratory Services, Illumina above.

Breakthrough Genomics
Classification: Benign. Review status: criteria provided, single submitter. Criteria: ACMG Guidelines, 2015. Collection method: not provided. Allele origin: germline. Inheritance: Autosomal recessive inheritance. Affected: yes.

PreventionGenetics, part of Exact Sciences
Classification: Benign for HR-related condition. Last evaluated: 2019-08-09. Review status: no assertion criteria provided. Collection method: clinical testing. Allele origin: germline. Not counted in ClinVar's aggregate classification.
Comment: This variant is classified as benign based on ACMG/AMP sequence variant interpretation guidelines (Richards et al. 2015 PMID: 25741868, with internal and published modifications).

NM_005144.5(HR):c.1190G>A (p.Cys397Tyr)

Gene: HR (HR lysine demethylase and nuclear receptor corepressor; minus strand). Cytogenetic location: 8p21.3.
Variant type: single nucleotide variant.
Coding change: c.1190G>A on transcript NM_005144.5 (MANE Select); coding-DNA position 1190, G replaced by A.
Protein change: p.Cys397Tyr; replaces cysteine 397 with tyrosine.
Molecular consequence: missense variant.
Genome position (GRCh38, 1-based): chr8:22,127,252, C>T on the plus strand (G>A on the coding strand, the complement: HR is on the minus strand). VCF-style: chr8-22127252-C-T. GRCh37 (hg19) VCF-style: chr8-21984765-C-T.
Other names: c.1190G>A, p.Cys397Tyr (NM_018411.4); short protein forms C397Y.
Identifiers: ClinVar variation 362523 (VCV000362523.16), dbSNP rs73549523, ClinGen allele CA4662547.